The following is an entry in ClinVar:

ClinVar aggregate classification (germline): Uncertain significance (1 of 4 stars; one submission).

Conditions:
Hereditary breast ovarian cancer syndrome. Also called: Hereditary breast and ovarian cancer syndrome (HBOC); Hereditary breast and/or ovarian cancer syndrome; Hereditary breast and ovarian cancer; BRCA1- and BRCA2-Associated Hereditary Breast and Ovarian Cancer; Breast and ovarian cancer; Hereditary breast and ovarian cancer syndrome. Identifiers: Orphanet 145, MedGen C0677776, MeSH D061325, MONDO:0003582. Disease mechanism: loss of function.

Submission:

Labcorp Genetics (formerly Invitae), Labcorp
Classification: Uncertain significance for Hereditary breast ovarian cancer syndrome. Last evaluated: 2022-04-07. Review status: criteria provided, single submitter. Criteria: Invitae Variant Classification Sherloc (09022015). Collection method: clinical testing. Allele origin: germline.
Comment: This variant has not been reported in the literature in individuals affected with BRCA2-related conditions. This sequence change replaces alanine, which is neutral and non-polar, with leucine, which is neutral and non-polar, at codon 2912 of the BRCA2 protein (p.Ala2912Leu). Information on the frequency of this variant in the gnomAD database is not available, as this variant may be reported differently in the database. Algorithms developed to predict the effect of missense changes on protein structure and function are either unavailable or do not agree on the potential impact of this missense change (SIFT: "Not Available"; PolyPhen-2: "Benign"; Align-GVGD: "Not Available"). In summary, the available evidence is currently insufficient to determine the role of this variant in disease. Therefore, it has been classified as a Variant of Uncertain Significance.

NM_000059.4(BRCA2):c.8734_8735delinsTT (p.Ala2912Leu)

Gene: BRCA2 (BRCA2 DNA repair associated; plus strand). Cytogenetic location: 13q13.1.
Variant type: Indel.
Coding change: c.8734_8735delinsTT on transcript NM_000059.4 (MANE Select); coding-DNA positions 8734 to 8735, GC replaced by TT.
Protein change: p.Ala2912Leu; replaces alanine 2912 with leucine.
Molecular consequence: missense variant.
Genome position (GRCh38, 1-based): chr13:32,376,771-32,376,772, GC replaced by TT. VCF-style: chr13-32376771-GC-TT. GRCh37 (hg19) VCF-style: chr13-32950908-GC-TT.
Other names: c.8638_8639delGCinsTT, p.Ala2880Leu (NM_001406719.1); c.8734_8735delGCinsTT, p.Ala2912Leu (NM_001406720.1); c.3802_3803delGCinsTT, p.Ala1268Leu (NM_001406721.1); c.2317_2318delGCinsTT, p.Ala773Leu (NM_001406722.1); short protein forms A2912L, A773L, A2880L, A1268L.
Identifiers: ClinVar variation 2122396 (VCV002122396.4), dbSNP rs2548553407, ClinGen allele CA2580087436.